The following is an entry in ClinVar:

ClinVar aggregate classification (germline): Uncertain significance (1 of 4 stars; one submission).

Allele frequency attached by ClinVar (database versions not stated): gnomAD exomes below 0.00001; gnomAD 0.00001; TOPMed 0.00002; ExAC 0.00004; ESP Exome Variant Server 0.00008.
gnomAD v4.1: 9 of 1,611,898 alleles (0.00056%); highest among the groups gnomAD compares: East Asian, 0.0022%; no homozygotes.

Submission:

Labcorp Genetics (formerly Invitae), Labcorp
Classification: Uncertain significance. Last evaluated: 2024-02-24. Review status: criteria provided, single submitter. Criteria: Invitae Variant Classification Sherloc (09022015). Collection method: clinical testing. Allele origin: germline.
Comment: This sequence change replaces arginine, which is basic and polar, with glutamine, which is neutral and polar, at codon 436 of the TBCD protein (p.Arg436Gln). This variant is present in population databases (rs368259507, gnomAD 0.004%). This variant has not been reported in the literature in individuals affected with TBCD-related conditions. ClinVar contains an entry for this variant (Variation ID: 1984266). Advanced modeling of protein sequence and biophysical properties (such as structural, functional, and spatial information, amino acid conservation, physicochemical variation, residue mobility, and thermodynamic stability) has been performed at Invitae for this missense variant, however the output from this modeling did not meet the statistical confidence thresholds required to predict the impact of this variant on TBCD protein function. In summary, the available evidence is currently insufficient to determine the role of this variant in disease. Therefore, it has been classified as a Variant of Uncertain Significance.

NM_005993.5(TBCD):c.1307G>A (p.Arg436Gln)

Gene: TBCD (tubulin folding cofactor D). Cytogenetic location: 17q25.3.
Variant type: single nucleotide variant.
Coding change: c.1307G>A on transcript NM_005993.5 (MANE Select); coding-DNA position 1307, G replaced by A.
Protein change: p.Arg436Gln; replaces arginine 436 with glutamine.
Molecular consequence: missense variant.
Genome position (GRCh38, 1-based): chr17:82,814,923, G>A. VCF-style: chr17-82814923-G-A. GRCh37 (hg19) VCF-style: chr17-80772799-G-A.
Other names: c.1256G>A, p.Arg419Gln (NM_001411101.1); c.1307G>A, p.Arg436Gln (NM_001411102.1); short protein forms R419Q, R436Q.
Identifiers: ClinVar variation 1984266 (VCV001984266.4), dbSNP rs368259507, ClinGen allele CA8861983.